The following is an entry in ClinVar:

ClinVar aggregate classification (germline): Uncertain significance (1 of 4 stars; one submission).

gnomAD v4.1: 16 of 1,613,176 alleles (0.00099%); highest among the groups gnomAD compares: Admixed American, 0.0033%; no homozygotes.

Submission:

Labcorp Genetics (formerly Invitae), Labcorp
Classification: Uncertain significance. Last evaluated: 2024-10-06. Review status: criteria provided, single submitter. Criteria: Invitae Variant Classification Sherloc (09022015). Collection method: clinical testing. Allele origin: germline.
Comment: This sequence change replaces arginine, which is basic and polar, with glutamine, which is neutral and polar, at codon 1811 of the DCHS1 protein (p.Arg1811Gln). This variant is present in population databases (rs753758536, gnomAD 0.007%). This variant has not been reported in the literature in individuals affected with DCHS1-related conditions. Invitae Evidence Modeling of protein sequence and biophysical properties (such as structural, functional, and spatial information, amino acid conservation, physicochemical variation, residue mobility, and thermodynamic stability) indicates that this missense variant is not expected to disrupt DCHS1 protein function with a negative predictive value of 80%. In summary, the available evidence is currently insufficient to determine the role of this variant in disease. Therefore, it has been classified as a Variant of Uncertain Significance.

NM_003737.4(DCHS1):c.5432G>A (p.Arg1811Gln)

Gene: DCHS1 (dachsous cadherin-related 1; minus strand). Cytogenetic location: 11p15.4.
Variant type: single nucleotide variant.
Coding change: c.5432G>A on transcript NM_003737.4 (MANE Select); coding-DNA position 5432, G replaced by A.
Protein change: p.Arg1811Gln; replaces arginine 1811 with glutamine.
Molecular consequence: missense variant.
Genome position (GRCh38, 1-based): chr11:6,627,607, C>T on the plus strand (G>A on the coding strand, the complement: DCHS1 is on the minus strand). VCF-style: chr11-6627607-C-T. GRCh37 (hg19) VCF-style: chr11-6648838-C-T.
Other names: short protein forms R1811Q.
Identifiers: ClinVar variation 3708472 (VCV003708472.2).
Genomic context (GRCh38, chr11:6,627,607, plus strand): 5'-CCTCCATCCCGGGCCTCTATCCTCAGCTGGAAAGCTGGCTCCACTTCTCTGTCTAGTGGC[C>T]GCATGGTGCCAAACTCTCCAGAAGCAAGGTCTAGGACAAAGGCTCCTGATGGGTCCCCAT-3'
Protein context (NP_003728.1, residues 1801-1821): DLASGEFGTM[Arg1811Gln]PLDREVEPAF